The following is an entry in ClinVar:

NM_003172.4(SURF1):c.903A>G (p.Ter301Trp)

Gene: SURF1 (SURF1 cytochrome c oxidase assembly factor; minus strand). Cytogenetic location: 9q34.2.
Variant type: single nucleotide variant.
Coding change: c.903A>G on transcript NM_003172.4 (MANE Select); coding-DNA position 903, A replaced by G.
Protein change: p.Ter301Trp.
Molecular consequence: stop lost.
Genome position (GRCh38, 1-based): chr9:133,351,913, T>C on the plus strand (A>G on the coding strand, the complement: SURF1 is on the minus strand). VCF-style: chr9-133351913-T-C. GRCh37 (hg19) VCF-style: chr9-136218768-T-C.
Other names: c.576A>G, p.Ter192Trp (NM_001280787.1).
Identifiers: ClinVar variation 1954247 (VCV001954247.2), dbSNP rs2490612353, ClinGen allele CA375693284.

ClinVar aggregate classification (germline): Uncertain significance (1 of 4 stars; one submission).

Conditions:
Leigh syndrome (NULS). Also called: Subacute necrotizing encephalopathy; Necrotizing encephalopathy infantile subacute of Leigh; LEIGH SYNDROME, NUCLEAR; Leigh Disease; Leigh's syndrome; Leigh's necrotizing encephalopathy. Identifiers: Orphanet 506, MedGen C2931891, MONDO:0009723, OMIM 256000.

Allele frequency attached by ClinVar (database versions not stated): gnomAD exomes below 0.00001.
gnomAD v4.1: 1 of 1,613,512 alleles (0.000062%); highest among the groups gnomAD compares: Admixed American, 0.0017%; no homozygotes.

Submission:

Labcorp Genetics (formerly Invitae), Labcorp
Classification: Uncertain significance for Leigh syndrome. Last evaluated: 2022-04-29. Review status: criteria provided, single submitter. Criteria: Invitae Variant Classification Sherloc (09022015). Collection method: clinical testing. Allele origin: germline.
Comment: This sequence change disrupts the translational stop signal of the SURF1 mRNA. It is expected to extend the length of the SURF1 protein by 5 additional amino acid residues. This variant is not present in population databases (gnomAD no frequency). This variant has not been reported in the literature in individuals affected with SURF1-related conditions. Experimental studies and prediction algorithms are not available or were not evaluated, and the functional significance of this variant is currently unknown. In summary, the available evidence is currently insufficient to determine the role of this variant in disease. Therefore, it has been classified as a Variant of Uncertain Significance.